The following is an entry in ClinVar:

ClinVar aggregate classification (germline): Uncertain significance. Review status: criteria provided, multiple submitters, no conflicts (2 of 4 stars). 2 submissions from 2 submitters: Uncertain significance (2). Last evaluated 2023-11-23.

Conditions:
Cardiovascular phenotype. Identifiers: MedGen CN230736.

Submissions (2):

Ambry Genetics
Classification: Uncertain significance for Cardiovascular phenotype. Last evaluated: 2023-11-23. Review status: criteria provided, single submitter. Criteria: Ambry Variant Classification Scheme 2023. Collection method: clinical testing. Allele origin: germline.
Comment: The p.Y1402C variant (also known as c.4205A>G), located in coding exon 25 of the APOB gene, results from an A to G substitution at nucleotide position 4205. The tyrosine at codon 1402 is replaced by cysteine, an amino acid with highly dissimilar properties. This amino acid position is conserved. In addition, this alteration is predicted to be tolerated by in silico analysis. Since supporting evidence is limited at this time, the clinical significance of this alteration remains unclear.

Blueprint Genetics
Classification: Uncertain significance. Last evaluated: 2020-03-02. Review status: criteria provided, single submitter. Criteria: ACMG Guidelines, 2015. Collection method: clinical testing. Allele origin: germline.

NM_000384.3(APOB):c.4205A>G (p.Tyr1402Cys)

Gene: APOB (apolipoprotein B; minus strand). Cytogenetic location: 2p24.1.
Variant type: single nucleotide variant.
Coding change: c.4205A>G on transcript NM_000384.3 (MANE Select); coding-DNA position 4205, A replaced by G.
Protein change: p.Tyr1402Cys; replaces tyrosine 1402 with cysteine.
Molecular consequence: missense variant.
Genome position (GRCh38, 1-based): chr2:21,013,171, T>C on the plus strand (A>G on the coding strand, the complement: APOB is on the minus strand). VCF-style: chr2-21013171-T-C. GRCh37 (hg19) VCF-style: chr2-21236043-T-C.
Other names: short protein forms Y1402C.
Identifiers: ClinVar variation 3231413 (VCV003231413.2), dbSNP rs2465380536, ClinGen allele CA346007404.